The following is an entry in ClinVar:

ClinVar aggregate classification (germline): Uncertain significance (1 of 4 stars; one submission).

Conditions:
GLI3-related disorder. Also called: GLI3-related condition; GLI3-related disorders. Identifiers: MedGen CN239292.

Submission:

PreventionGenetics, part of Exact Sciences
Classification: Uncertain significance for GLI3-related condition. Last evaluated: 2023-07-05. Review status: criteria provided, single submitter. Criteria: ACMG Guidelines, 2015. Collection method: clinical testing. Allele origin: germline.
Comment: The GLI3 c.2488A>G variant is predicted to result in the amino acid substitution p.Arg830Gly. To our knowledge, this variant has not been reported in the literature or in a large population database, indicating this variant is rare. At this time, the clinical significance of this variant is uncertain due to the absence of conclusive functional and genetic evidence.

NM_000168.6(GLI3):c.2488A>G (p.Arg830Gly)

Gene: GLI3 (GLI family zinc finger 3; minus strand). Cytogenetic location: 7p14.1.
Variant type: single nucleotide variant.
Coding change: c.2488A>G on transcript NM_000168.6 (MANE Select); coding-DNA position 2488, A replaced by G.
Protein change: p.Arg830Gly; replaces arginine 830 with glycine.
Molecular consequence: missense variant.
Genome position (GRCh38, 1-based): chr7:41,966,585, T>C on the plus strand (A>G on the coding strand, the complement: GLI3 is on the minus strand). VCF-style: chr7-41966585-T-C. GRCh37 (hg19) VCF-style: chr7-42006183-T-C.
Other names: short protein forms R830G.
Identifiers: ClinVar variation 2631801 (VCV002631801.1), dbSNP rs2484381734, ClinGen allele CA367320987.
Genomic context (GRCh38, chr7:41,966,585, plus strand): 5'-TGCTGTCCCTTCTGTTGAGCATGTTCAGCATAGTGACGTCCACCCCAGAGAGGTCGCTTC[T>C]GCCCGGGAGAAGCGTCATGGGCCCACCCAAGCTGCAGGTGTTGTTGGACTGTGTGCCTGG-3'
Protein context (NP_000159.3, residues 820-840): LGGPMTLLPG[Arg830Gly]SDLSGVDVTM